The following is an entry in ClinVar:

ClinVar aggregate classification (germline): Uncertain significance. Review status: criteria provided, multiple submitters, no conflicts (2 of 4 stars). 3 submissions from 3 submitters: Uncertain significance (3). Last evaluated 2025-08-25.

Conditions:
Inborn genetic diseases. Identifiers: MedGen C0950123, MeSH D030342.

Allele frequency attached by ClinVar (database versions not stated): gnomAD exomes 0.00001; ExAC 0.00002; gnomAD 0.00002; TOPMed 0.00003; 1000 Genomes Project 30x 0.00016; 1000 Genomes Project 0.00020.
gnomAD v4.1: 10 of 1,613,856 alleles (0.00062%); highest among the groups gnomAD compares: African/African-American, 0.0067%; no homozygotes.

Submissions (3):

Ambry Genetics
Classification: Uncertain significance for Inborn genetic diseases. Last evaluated: 2025-08-25. Review status: criteria provided, single submitter. Criteria: Ambry Variant Classification Scheme 2023. Collection method: clinical testing. Allele origin: germline.

Blueprint Genetics
Classification: Uncertain significance. Last evaluated: 2024-09-13. Review status: criteria provided, single submitter. Criteria: ACMG Guidelines, 2015. Collection method: clinical testing. Allele origin: germline.

Labcorp Genetics (formerly Invitae), Labcorp
Classification: Uncertain significance. Last evaluated: 2024-07-23. Review status: criteria provided, single submitter. Criteria: Invitae Variant Classification Sherloc (09022015). Collection method: clinical testing. Allele origin: germline.
Comment: This sequence change replaces arginine, which is basic and polar, with glutamine, which is neutral and polar, at codon 597 of the IMPDH1 protein (p.Arg597Gln). This variant is present in population databases (rs559687529, gnomAD 0.02%). This variant has not been reported in the literature in individuals affected with IMPDH1-related conditions. ClinVar contains an entry for this variant (Variation ID: 2515138). An algorithm developed to predict the effect of missense changes on protein structure and function (PolyPhen-2) suggests that this variant is likely to be tolerated. In summary, the available evidence is currently insufficient to determine the role of this variant in disease. Therefore, it has been classified as a Variant of Uncertain Significance.

NM_000883.4(IMPDH1):c.1790G>A (p.Arg597Gln)

Gene: IMPDH1 (inosine monophosphate dehydrogenase 1; minus strand). Cytogenetic location: 7q32.1.
Variant type: single nucleotide variant.
Coding change: c.1790G>A on transcript NM_000883.4 (MANE Select); coding-DNA position 1790, G replaced by A.
Protein change: p.Arg597Gln; replaces arginine 597 with glutamine.
Molecular consequence: missense variant.
Genome position (GRCh38, 1-based): chr7:128,393,017, C>T on the plus strand (G>A on the coding strand, the complement: IMPDH1 is on the minus strand). VCF-style: chr7-128393017-C-T. GRCh37 (hg19) VCF-style: chr7-128033071-C-T.
Other names: c.1760G>A, p.Arg587Gln (NM_001102605.2); c.1535G>A, p.Arg512Gln (NM_001142573.2); c.1520G>A, p.Arg507Gln (NM_001142574.2); c.1460G>A, p.Arg487Gln (NM_001142575.2); c.1691G>A, p.Arg564Gln (NM_001142576.2); c.1583G>A, p.Arg528Gln (NM_001304521.2); c.1682G>A, p.Arg561Gln (NM_183243.3); short protein forms R561Q, R597Q, R507Q, R528Q, R564Q, R587Q, R487Q, R512Q.
Identifiers: ClinVar variation 2515138 (VCV002515138.7), dbSNP rs559687529, ClinGen allele CA4470698.